The following is an entry in ClinVar:

ClinVar aggregate classification (germline): Uncertain significance (1 of 4 stars; one submission).

Conditions:
Inborn genetic diseases. Identifiers: MedGen C0950123, MeSH D030342.

Submission:

Ambry Genetics
Classification: Uncertain significance for Inborn genetic diseases. Last evaluated: 2019-09-06. Review status: criteria provided, single submitter. Criteria: Ambry Variant Classification Scheme 2023. Collection method: clinical testing. Allele origin: germline.
Comment: The c.568_570delATG variant (also known as p.M190del) is located in coding exon 8 of the NDRG1 gene. This variant results from an in-frame ATG deletion at nucleotide positions 568 to 570. This results in the in-frame deletion of a methionine at codon 190. This amino acid position is highly conserved in available vertebrate species. In addition, this alteration is predicted to be deleterious by in silico analysis (Choi Y et al. PLoS ONE. 2012; 7(10):e46688). Since supporting evidence is limited at this time, the clinical significance of this alteration remains unclear.

NM_006096.4(NDRG1):c.568_570del (p.Met190del)

Gene: NDRG1 (N-myc downstream regulated 1; minus strand). Cytogenetic location: 8q24.22.
Variant type: Deletion.
Coding change: c.568_570del on transcript NM_006096.4 (MANE Select); coding-DNA positions 568 to 570, 3 bases deleted (ATG; older notation c.568_570delATG).
Protein change: p.Met190del; deletes methionine 190.
Molecular consequence: inframe deletion.
Genome position (GRCh38, 1-based): chr8:133,254,563-133,254,565, CAT deleted on the plus strand (ATG on the coding strand, the reverse complement: NDRG1 is on the minus strand). VCF-style (leftmost placement, unchanged base first): chr8-133254562-CCAT-C. GRCh37 (hg19) VCF-style: chr8-134266805-CCAT-C.
Other names: c.568_570del, p.Met190del (NM_001135242.2, NM_001374845.1, NM_001374846.1); c.370_372del, p.Met124del (NM_001258432.2, NM_001374847.1); c.325_327del, p.Met109del (NM_001258433.2); c.619_621del, p.Met207del (NM_001374844.1); short protein forms M109del, M124del, M190del, M207del.
Identifiers: ClinVar variation 1749031 (VCV001749031.2), dbSNP rs2538042193, ClinGen allele CA2580078597.